The following is an entry in ClinVar:

ClinVar aggregate classification (germline): Pathogenic. Review status: criteria provided, multiple submitters, no conflicts (2 of 4 stars). 2 submissions from 2 submitters: Pathogenic (2). Last evaluated 2024-11-14.

Conditions:
Familial benign pemphigus (HHD). Identifiers: Orphanet 2841, MedGen C0085106, MONDO:0008218, OMIM 169600.

Submissions (2):

Labcorp Genetics (formerly Invitae), Labcorp
Classification: Pathogenic. Last evaluated: 2024-11-14. Review status: criteria provided, single submitter. Criteria: Invitae Variant Classification Sherloc (09022015). Collection method: clinical testing. Allele origin: germline.
Comment: This sequence change creates a premature translational stop signal (p.Arg55*) in the ATP2C1 gene. It is expected to result in an absent or disrupted protein product. Loss-of-function variants in ATP2C1 are known to be pathogenic (PMID: 10615129, 10767338, 11841554). This variant is not present in population databases (gnomAD no frequency). This premature translational stop signal has been observed in individual(s) with Hailey-Hailey disease (PMID: 10767338, 29104283). This variant is also known as R39X, 115C>T. For these reasons, this variant has been classified as Pathogenic.

Juno Genomics, Hangzhou Juno Genomics, Inc
Classification: Pathogenic for Familial benign pemphigus. Review status: criteria provided, single submitter. Criteria: ACMG Guidelines, 2015. Collection method: clinical testing. Allele origin: germline.
Comment: Absent from controls (or at extremely low frequency if recessive) in Genome Aggregation Database.;Null variant in a gene where loss of function (LOF) is a known mechanism of disease.;The prevalence of the variant in affected individuals is significantly increased compared to the prevalence in controls.

Literature cited by the submitters: PubMed 10615129 (cited by Labcorp Genetics (formerly Invitae), Labcorp); PubMed 10767338 (cited by Labcorp Genetics (formerly Invitae), Labcorp); PubMed 11841554 (cited by Labcorp Genetics (formerly Invitae), Labcorp); PubMed 29104283 (cited by Labcorp Genetics (formerly Invitae), Labcorp).

NM_001378687.1(ATP2C1):c.163C>T (p.Arg55Ter)

Gene: ATP2C1 (ATPase secretory pathway Ca2+ transporting 1; plus strand). Cytogenetic location: 3q22.1.
Variant type: single nucleotide variant.
Coding change: c.163C>T on transcript NM_001378687.1 (MANE Select); coding-DNA position 163, C replaced by T.
Protein change: p.Arg55Ter; replaces arginine 55 with a stop codon.
Molecular consequence: nonsense. On other transcripts: intron variant (1).
Genome position (GRCh38, 1-based): chr3:130,932,067, C>T. VCF-style: chr3-130932067-C-T. GRCh37 (hg19) VCF-style: chr3-130650911-C-T.
Other names: c.163C>T, p.Arg55Ter (NM_001001485.3, NM_001001486.2, NM_001001487.2 and 5 more transcripts); c.265C>T, p.Arg89Ter (NM_001199180.2, NM_001199181.3, NM_001378511.1); c.115C>T, p.Arg39Ter (NM_001199183.2, NM_001199184.3, NM_001378514.1); c.219+1541C>T (NM_001199182.2); short protein forms R89*, R39*, R55*.
Identifiers: ClinVar variation 3720533 (VCV003720533.4).